The following is an entry in ClinVar:

NM_017514.5(PLXNA3):c.4470C>T (p.Ser1490=)

Gene: PLXNA3 (plexin A3; plus strand). Cytogenetic location: Xq28.
Variant type: single nucleotide variant.
Coding change: c.4470C>T on transcript NM_017514.5 (MANE Select); coding-DNA position 4470, C replaced by T.
Protein change: p.Ser1490=; no amino-acid change (serine 1490 retained).
Molecular consequence: synonymous variant.
Genome position (GRCh38, 1-based): chrX:154,469,091, C>T. VCF-style: chrX-154469091-C-T. GRCh37 (hg19) VCF-style: chrX-153697434-C-T.
Identifiers: ClinVar variation 3049001 (VCV003049001.2), dbSNP rs201820066, ClinGen allele CA10564891.

ClinVar aggregate classification (germline): Likely benign (0 of 4 stars; one submission).

Conditions:
PLXNA3-related disorder. Also called: PLXNA3-related condition.

Allele frequency attached by ClinVar (database versions not stated): gnomAD exomes 0.00004; ESP Exome Variant Server 0.00009; gnomAD 0.00011; ExAC 0.00012; TOPMed 0.00014; 1000 Genomes Project 30x 0.00021; 1000 Genomes Project 0.00026.
gnomAD v4.1: 58 of 1,210,161 alleles (0.0048%); highest among the groups gnomAD compares: Middle Eastern, 0.14%; 1 homozygote.

Submission:

PreventionGenetics, part of Exact Sciences
Classification: Likely benign for PLXNA3-related condition. Last evaluated: 2021-08-10. Review status: no assertion criteria provided. Collection method: clinical testing. Allele origin: germline.
Comment: This variant is classified as likely benign based on ACMG/AMP sequence variant interpretation guidelines (Richards et al. 2015 PMID: 25741868, with internal and published modifications).